The following is an entry in ClinVar:

NM_014738.6(TMEM94):c.1672C>T (p.Leu558=)

Gene: TMEM94 (transmembrane protein 94; plus strand). Cytogenetic location: 17q25.1.
Variant type: single nucleotide variant.
Coding change: c.1672C>T on transcript NM_014738.6 (MANE Select); coding-DNA position 1672, C replaced by T.
Protein change: p.Leu558=; no amino-acid change (leucine 558 retained).
Molecular consequence: synonymous variant.
Genome position (GRCh38, 1-based): chr17:75,492,549, C>T. VCF-style: chr17-75492549-C-T. GRCh37 (hg19) VCF-style: chr17-73488630-C-T.
Other names: c.1702C>T, p.Leu568= (NM_001321148.2, NM_001351203.2); c.1684C>T, p.Leu562= (NM_001321149.2); c.1624C>T, p.Leu542= (NM_001351202.2); c.1672C>T (NM_014738.5).
Identifiers: ClinVar variation 2505210 (VCV002505210.3), dbSNP rs146061217, ClinGen allele CA8761932.

ClinVar aggregate classification (germline): Uncertain significance. Review status: criteria provided, single submitter (1 of 4 stars). 2 submissions from 2 submitters: Uncertain significance (1). 1 of the submissions does not count toward it. Last evaluated 2023-03-20.

Conditions:
TMEM94-related disorder. Also called: TMEM94-related condition.

Allele frequency attached by ClinVar (database versions not stated): ExAC 0.00009; gnomAD exomes 0.00011; gnomAD 0.00018; TOPMed 0.00021; ESP Exome Variant Server 0.00023.
gnomAD v4.1: 183 of 1,613,858 alleles (0.011%); highest among the groups gnomAD compares: African/African-American, 0.036%; no homozygotes.

Submissions (2):

Greenwood Genetic Center Diagnostic Laboratories, Greenwood Genetic Center
Classification: Uncertain significance. Last evaluated: 2023-03-20. Review status: criteria provided, single submitter. Criteria: ACMG Guidelines, 2015. Collection method: clinical testing. Allele origin: germline. Affected: yes.
Comment: PM2

PreventionGenetics, part of Exact Sciences
Classification: Likely benign for TMEM94-related condition. Last evaluated: 2019-03-04. Review status: no assertion criteria provided. Collection method: clinical testing. Allele origin: germline. Not counted in ClinVar's aggregate classification.
Comment: This variant is classified as likely benign based on ACMG/AMP sequence variant interpretation guidelines (Richards et al. 2015 PMID: 25741868, with internal and published modifications).